The following is an entry in ClinVar:

ClinVar aggregate classification (germline): Uncertain significance (1 of 4 stars; one submission).

Submission:

Labcorp Genetics (formerly Invitae), Labcorp
Classification: Uncertain significance. Last evaluated: 2024-05-02. Review status: criteria provided, single submitter. Criteria: Invitae Variant Classification Sherloc (09022015). Collection method: clinical testing. Allele origin: germline.
Comment: This variant, c.1158_1160del, is a complex sequence change that results in the deletion of 2 and insertion of 1 amino acid(s) in the ASXL1 protein (p.Leu386_Cys387delinsPhe). This variant is not present in population databases (gnomAD no frequency). This variant has not been reported in the literature in individuals affected with ASXL1-related conditions. Experimental studies and prediction algorithms are not available or were not evaluated, and the functional significance of this variant is currently unknown. In summary, the available evidence is currently insufficient to determine the role of this variant in disease. Therefore, it has been classified as a Variant of Uncertain Significance.

NM_015338.6(ASXL1):c.1158_1160del (p.Leu386_Cys387delinsPhe)

Gene: ASXL1 (ASXL transcriptional regulator 1; plus strand). Cytogenetic location: 20q11.21.
Variant type: Deletion.
Coding change: c.1158_1160del on transcript NM_015338.6 (MANE Select); coding-DNA positions 1158 to 1160, 3 bases deleted (GTG; older notation c.1158_1160delGTG).
Protein change: p.Leu386_Cys387delinsPhe.
Molecular consequence: inframe indel.
Genome position (GRCh38, 1-based): chr20:32,433,356-32,433,358, GTG deleted. VCF-style (leftmost placement, unchanged base first): chr20-32433355-TGTG-T. GRCh37 (hg19) VCF-style: chr20-31021158-TGTG-T.
Other names: c.975_977del, p.Leu325_Cys326delinsPhe (NM_001363734.1).
Identifiers: ClinVar variation 3650802 (VCV003650802.2).
Genomic context (GRCh38, chr20:32,433,355, plus strand): 5'-CCAAAGAAGAGTCATTGCAGCAGAACGTGGGCCAGGAGGAGGCTGAAATCAAAAGTGGCT[TGTG>T]TGTCCCAGGAGAATCAGTGCGTATACAGCGTGGTCCAGCCACCCGACAGCGAGATGGGCA-3'